The following is an entry in ClinVar:

NM_016292.3(TRAP1):c.1714G>T (p.Glu572Ter)

Genes: DNASE1 (deoxyribonuclease 1; plus strand), TRAP1 (TNF receptor associated protein 1; minus strand). Cytogenetic location: 16p13.3.
Variant type: single nucleotide variant.
Coding change: c.1714G>T on transcript NM_016292.3 (MANE Select); coding-DNA position 1714, G replaced by T.
Protein change: p.Glu572Ter; replaces glutamic acid 572 with a stop codon.
Molecular consequence: nonsense. On other transcripts: 3 prime UTR variant (1).
Genome position (GRCh38, 1-based): chr16:3,662,962, C>A on the plus strand (G>T on the coding strand, the complement: TRAP1 is on the minus strand). VCF-style: chr16-3662962-C-A. GRCh37 (hg19) VCF-style: chr16-3712963-C-A.
Other names: c.1555G>T, p.Glu519Ter (NM_001272049.2); c.*338C>A (NM_001387140.1); short protein forms E519*, E572*.
Identifiers: ClinVar variation 3701749 (VCV003701749.2).

ClinVar aggregate classification (germline): Uncertain significance (1 of 4 stars; one submission).

gnomAD v4.1: 3 of 1,608,904 alleles (0.00019%); highest among the groups gnomAD compares: East Asian, 0.0045%; no homozygotes.

Submission:

Labcorp Genetics (formerly Invitae), Labcorp
Classification: Uncertain significance. Last evaluated: 2024-09-20. Review status: criteria provided, single submitter. Criteria: Invitae Variant Classification Sherloc (09022015). Collection method: clinical testing. Allele origin: germline.
Comment: This sequence change creates a premature translational stop signal (p.Glu572*) in the TRAP1 gene. It is expected to result in an absent or disrupted protein product. However, the current clinical and genetic evidence is not sufficient to establish whether loss-of-function variants in TRAP1 cause disease. The frequency data for this variant in the population databases is considered unreliable, as metrics indicate poor data quality at this position in the gnomAD database. This variant has not been reported in the literature in individuals affected with TRAP1-related conditions. In summary, the available evidence is currently insufficient to determine the role of this variant in disease. Therefore, it has been classified as a Variant of Uncertain Significance.